The following is an entry in ClinVar:

NM_001852.4(COL9A2):c.594C>T (p.Arg198=)

Gene: COL9A2 (collagen type IX alpha 2 chain; minus strand). Cytogenetic location: 1p34.2.
Variant type: single nucleotide variant.
Coding change: c.594C>T on transcript NM_001852.4 (MANE Select); coding-DNA position 594, C replaced by T.
Protein change: p.Arg198=; no amino-acid change (arginine 198 retained).
Molecular consequence: synonymous variant.
Genome position (GRCh38, 1-based): chr1:40,311,129, G>A on the plus strand (C>T on the coding strand, the complement: COL9A2 is on the minus strand). VCF-style: chr1-40311129-G-A. GRCh37 (hg19) VCF-style: chr1-40776801-G-A.
Other names: c.594C>T (NM_001852.3).
Identifiers: ClinVar variation 4703454 (VCV004703454.2).
Genomic context (GRCh38, chr1:40,311,129, plus strand): 5'-ACAGCCCTCAGCCCTTGCACTCACCGGCTTCCCCTGGTGGCCAGGATCACCCAGAATCCC[G>A]CGTTTGCCCGCATGCCCCTGAAGGGAAGGAGAGAGCTCAATACGAGGTCCCCTCCTGTCA-3'
Protein context (NP_001843.1, residues 188-208): LQGVKGHAGK[Arg198=]GILGDPGHQG

ClinVar aggregate classification (germline): Likely benign. Review status: criteria provided, multiple submitters, no conflicts (2 of 4 stars). 2 submissions from 2 submitters: Likely benign (2). Last evaluated 2026-07-16.

Conditions:
COL9A2-related disorder. Also called: COL9A2-related condition.

gnomAD v4.1: 17 of 1,614,056 alleles (0.0011%); highest among the groups gnomAD compares: East Asian, 0.0089%; no homozygotes.

Submissions (2):

PreventionGenetics, part of Exact Sciences
Classification: Likely benign for COL9A2-related condition. Last evaluated: 2026-07-16. Review status: criteria provided, single submitter. Criteria: ACMG Guidelines, 2015. Collection method: clinical testing. Allele origin: germline.
Comment: This variant is classified as likely benign based on ACMG/AMP sequence variant interpretation guidelines (Richards et al. 2015 PMID: 25741868, with internal and published modifications).

Labcorp Genetics (formerly Invitae), Labcorp
Classification: Likely benign. Last evaluated: 2026-01-06. Review status: criteria provided, single submitter. Criteria: Invitae Variant Classification Sherloc (09022015). Collection method: clinical testing. Allele origin: germline.